The following is an entry in ClinVar:

ClinVar aggregate classification (germline): Uncertain significance (1 of 4 stars; one submission).

Conditions:
Wilson disease (WND). Also called: Wilson's disease. Identifiers: Orphanet 905, MedGen C0019202, MONDO:0010200, OMIM 277900. Disease mechanism: loss of function.

gnomAD v4.1: 4 of 1,614,226 alleles (0.00025%); highest among the groups gnomAD compares: Non-Finnish European, 0.00025%; no homozygotes.

Submission:

Color Diagnostics, LLC DBA Color Health
Classification: Uncertain significance for Wilson disease. Last evaluated: 2025-06-03. Review status: criteria provided, single submitter. Criteria: ACMG Guidelines, 2015. Collection method: clinical testing. Allele origin: germline.
Comment: This missense variant replaces asparagine with aspartic acid at codon 82 of the ATP7B protein. Computational prediction suggests that this variant may not impact protein structure and function. To our knowledge, functional studies have not been reported for this variant. This variant has not been reported in individuals affected with ATP7B-related disorders in the literature. This variant has been identified in 1/249178 chromosomes in the general population by the Genome Aggregation Database (gnomAD). The available evidence is insufficient to determine the role of this variant in disease conclusively. Therefore, this variant is classified as a Variant of Uncertain Significance.

NM_000053.4(ATP7B):c.244A>G (p.Asn82Asp)

Gene: ATP7B (ATPase copper transporting beta; minus strand). Cytogenetic location: 13q14.3.
Variant type: single nucleotide variant.
Coding change: c.244A>G on transcript NM_000053.4 (MANE Select); coding-DNA position 244, A replaced by G.
Protein change: p.Asn82Asp; replaces asparagine 82 with aspartic acid.
Molecular consequence: missense variant.
Genome position (GRCh38, 1-based): chr13:51,974,976, T>C on the plus strand (A>G on the coding strand, the complement: ATP7B is on the minus strand). VCF-style: chr13-51974976-T-C. GRCh37 (hg19) VCF-style: chr13-52549112-T-C.
Other names: c.244A>G, p.Asn82Asp (NM_001005918.3, NM_001243182.2, NM_001330578.2 and 30 more transcripts); c.148A>G, p.Asn50Asp (NM_001406543.1, NM_001406544.1, NM_001406517.1 and 4 more transcripts); short protein forms N50D, N82D.
Identifiers: ClinVar variation 4758442 (VCV004758442.1).
Genomic context (GRCh38, chr13:51,974,976, plus strand): 5'-ATTTCACAGTGGCACTGCCTTGTTCCAGGGAAACCTTCATGCTGATGATGCCTTTCAAAT[T>C]GGAAATCCTGTCCTCAATGGACTTCACACATGACTGGCAAGTCATGCCCAAGATCCTGAC-3'
Protein context (NP_000044.2, residues 72-92): CVKSIEDRIS[Asn82Asp]LKGIISMKVS